The following is an entry in ClinVar:

NM_001942.4(DSG1):c.2687A>G (p.Glu896Gly)

Genes: DSG1 (desmoglein 1; plus strand), DSG1-AS1 (DSG1 antisense RNA 1; minus strand). Cytogenetic location: 18q12.1.
Variant type: single nucleotide variant.
Coding change: c.2687A>G on transcript NM_001942.4 (MANE Select); coding-DNA position 2687, A replaced by G.
Protein change: p.Glu896Gly; replaces glutamic acid 896 with glycine.
Molecular consequence: missense variant.
Genome position (GRCh38, 1-based): chr18:31,354,883, A>G. VCF-style: chr18-31354883-A-G. GRCh37 (hg19) VCF-style: chr18-28934846-A-G.
Other names: short protein forms E896G.
Identifiers: ClinVar variation 4727601 (VCV004727601.1).

ClinVar aggregate classification (germline): Uncertain significance (1 of 4 stars; one submission).

gnomAD v4.1: 1 of 1,614,196 alleles (0.000062%); highest among the groups gnomAD compares: Non-Finnish European, 0.000085%; no homozygotes.

Submission:

Labcorp Genetics (formerly Invitae), Labcorp
Classification: Uncertain significance. Last evaluated: 2025-09-22. Review status: criteria provided, single submitter. Criteria: Invitae Variant Classification Sherloc (09022015). Collection method: clinical testing. Allele origin: germline.
Comment: This sequence change replaces glutamic acid, which is acidic and polar, with glycine, which is neutral and non-polar, at codon 896 of the DSG1 protein (p.Glu896Gly). This variant is not present in population databases (gnomAD no frequency). This variant has not been reported in the literature in individuals affected with DSG1-related conditions. An algorithm developed to predict the effect of missense changes on protein structure and function (PolyPhen-2) suggests that this variant is likely to be disruptive. In summary, the available evidence is currently insufficient to determine the role of this variant in disease. Therefore, it has been classified as a Variant of Uncertain Significance.